The following is an entry in ClinVar:

ClinVar aggregate classification (germline): Pathogenic (1 of 4 stars; one submission).

Conditions:
Baller-Gerold syndrome (BGS). Also called: CRANIOSYNOSTOSIS WITH RADIAL DEFECTS. Identifiers: Orphanet 1225, MedGen C0265308, MONDO:0009039, OMIM 218600.

Submission:

Labcorp Genetics (formerly Invitae), Labcorp
Classification: Pathogenic for Baller-Gerold syndrome. Last evaluated: 2024-11-04. Review status: criteria provided, single submitter. Criteria: Invitae Variant Classification Sherloc (09022015). Collection method: clinical testing. Allele origin: germline.
Comment: This sequence change creates a premature translational stop signal (p.Gln12*) in the RECQL4 gene. It is expected to result in an absent or disrupted protein product. Loss-of-function variants in RECQL4 are known to be pathogenic (PMID: 12734318, 12952869). This variant is not present in population databases (gnomAD no frequency). This variant has not been reported in the literature in individuals affected with RECQL4-related conditions. For these reasons, this variant has been classified as Pathogenic.

Literature cited by the submitters: PubMed 12734318; PubMed 12952869.

NM_004260.4(RECQL4):c.34C>T (p.Gln12Ter)

Genes: RECQL4 (RecQ like helicase 4; minus strand), LOC130001411 (ATAC-STARR-seq lymphoblastoid silent region 19699; plus strand). Cytogenetic location: 8q24.3.
Variant type: single nucleotide variant.
Coding change: c.34C>T on transcript NM_004260.4 (MANE Select); coding-DNA position 34, C replaced by T.
Protein change: p.Gln12Ter; replaces glutamine 12 with a stop codon.
Molecular consequence: nonsense. On other transcripts: 5 prime UTR variant (17), non-coding transcript variant (3).
Genome position (GRCh38, 1-based): chr8:144,517,751, G>A on the plus strand (C>T on the coding strand, the complement: RECQL4 is on the minus strand). VCF-style: chr8-144517751-G-A. GRCh37 (hg19) VCF-style: chr8-145743135-G-A.
Other names: c.34C>T, p.Gln12Ter (NM_001413017.1, NM_001413018.1, NM_001413019.1 and 6 more transcripts); c.-752C>T (NM_001413021.1); c.-1103C>T (NM_001413022.1, NM_001413023.1, NM_001413037.1 and 2 more transcripts); c.-1000C>T (NM_001413024.1); c.-1100C>T (NM_001413027.1); c.-828C>T (NM_001413028.1); c.-1165C>T (NM_001413030.1, NM_001413031.1, NM_001413041.1); c.-997C>T (NM_001413032.1); and 4 more; short protein forms Q12*.
Identifiers: ClinVar variation 3724234 (VCV003724234.2).